The following is an entry in ClinVar:

NM_015909.4(NBAS):c.1700A>G (p.Asn567Ser)

Gene: NBAS (NBAS subunit of NRZ tethering complex; minus strand). Cytogenetic location: 2p24.3.
Variant type: single nucleotide variant.
Coding change: c.1700A>G on transcript NM_015909.4 (MANE Select); coding-DNA position 1700, A replaced by G.
Protein change: p.Asn567Ser; replaces asparagine 567 with serine.
Molecular consequence: missense variant. On other transcripts: non-coding transcript variant (1).
Genome position (GRCh38, 1-based): chr2:15,473,247, T>C on the plus strand (A>G on the coding strand, the complement: NBAS is on the minus strand). VCF-style: chr2-15473247-T-C. GRCh37 (hg19) VCF-style: chr2-15613371-T-C.
Other names: short protein forms N567S.
Identifiers: ClinVar variation 1941064 (VCV001941064.2), dbSNP rs1243177503, ClinGen allele CA345886075.
Genomic context (GRCh38, chr2:15,473,247, plus strand): 5'-ACATTTTACCACATTACCAAAATATTTAAACATACCAAATAATTCTGAATTGAAGCAACG[T>C]TGACCGCTGACTTCCTCCACTGCCTCTGATATACAAGGTCAGTATCCAGGCCGTAGGTAT-3'
Protein context (NP_056993.2, residues 557-577): YQRQWRKSAV[Asn567Ser]VASIQNYLSK

ClinVar aggregate classification (germline): Uncertain significance (1 of 4 stars; one submission).

gnomAD v4.1: 4 of 1,614,084 alleles (0.00025%); highest among the groups gnomAD compares: Non-Finnish European, 0.00034%; no homozygotes.

Submission:

Labcorp Genetics (formerly Invitae), Labcorp
Classification: Uncertain significance. Last evaluated: 2022-08-15. Review status: criteria provided, single submitter. Criteria: Invitae Variant Classification Sherloc (09022015). Collection method: clinical testing. Allele origin: germline.
Comment: This sequence change replaces asparagine, which is neutral and polar, with serine, which is neutral and polar, at codon 567 of the NBAS protein (p.Asn567Ser). This variant is present in population databases (no rsID available, gnomAD 0.0009%). This variant has not been reported in the literature in individuals affected with NBAS-related conditions. Algorithms developed to predict the effect of missense changes on protein structure and function are either unavailable or do not agree on the potential impact of this missense change (SIFT: "Deleterious"; PolyPhen-2: "Benign"; Align-GVGD: "Class C45"). In summary, the available evidence is currently insufficient to determine the role of this variant in disease. Therefore, it has been classified as a Variant of Uncertain Significance.